The following is an entry in ClinVar:

NM_020338.4(ZMIZ1):c.1872G>T (p.Trp624Cys)

Gene: ZMIZ1 (zinc finger MIZ-type containing 1; plus strand). Cytogenetic location: 10q22.3.
Variant type: single nucleotide variant.
Coding change: c.1872G>T on transcript NM_020338.4 (MANE Select); coding-DNA position 1872, G replaced by T.
Protein change: p.Trp624Cys; replaces tryptophan 624 with cysteine.
Molecular consequence: missense variant.
Genome position (GRCh38, 1-based): chr10:79,300,795, G>T. VCF-style: chr10-79300795-G-T. GRCh37 (hg19) VCF-style: chr10-81060552-G-T.
Other names: short protein forms W624C.
Identifiers: ClinVar variation 3359806 (VCV003359806.1).

ClinVar aggregate classification (germline): Uncertain significance (1 of 4 stars; one submission).

Submission:

GeneDx
Classification: Uncertain significance. Last evaluated: 2023-06-12. Review status: criteria provided, single submitter. Criteria: GeneDx Variant Classification Process June 2021. Collection method: clinical testing. Allele origin: germline. Affected: yes.
Comment: Not observed at significant frequency in large population cohorts (gnomAD); In silico analysis supports that this missense variant has a deleterious effect on protein structure/function; In silico analysis suggests this variant may impact gene splicing. In the absence of RNA/functional studies, the actual effect of this sequence change is unknown.; Has not been previously published as pathogenic or benign to our knowledge